The following is an entry in ClinVar:

ClinVar aggregate classification (germline): Conflicting classifications of pathogenicity. Review status: criteria provided, conflicting classifications (1 of 4 stars). 3 submissions from 3 submitters: Uncertain significance (1); Benign (1). 1 of the submissions does not count toward it. Last evaluated 2026-06-27.

Conditions:
NFE2L2-related disorder. Also called: NFE2L2-related condition.

Allele frequency attached by ClinVar (database versions not stated): gnomAD exomes 0.00008 and 0.00010; gnomAD 0.00013; ExAC 0.00015; 1000 Genomes Project 30x 0.00016; TOPMed 0.00016; 1000 Genomes Project 0.00020; ESP Exome Variant Server 0.00025.
gnomAD v4.1: 145 of 1,613,922 alleles (0.009%); highest among the groups gnomAD compares: Middle Eastern, 0.033%; 1 homozygote.

Submissions (3):

PreventionGenetics, part of Exact Sciences
Classification: Uncertain significance for NFE2L2-related condition. Last evaluated: 2026-06-27. Review status: criteria provided, single submitter. Criteria: ACMG Guidelines, 2015. Collection method: clinical testing. Allele origin: germline.
Comment: The NFE2L2 c.127C>T variant is predicted to result in the amino acid substitution p.Arg43Trp. To our knowledge, this variant has not been reported in the literature. This variant is reported in 0.045% of alleles in individuals of African descent in gnomAD, which may be too common to be causative. Although we suspect that this variant may be benign, at this time, the clinical significance of this variant is uncertain due to the absence of conclusive functional and genetic evidence.

Labcorp Genetics (formerly Invitae), Labcorp
Classification: Benign. Last evaluated: 2025-09-07. Review status: criteria provided, single submitter. Criteria: Invitae Variant Classification Sherloc (09022015). Collection method: clinical testing. Allele origin: germline.

ITMI
No classification provided. Condition: AllHighlyPenetrant. Last evaluated: 2013-09-19. Review status: no classification provided. Collection method: reference population. Allele origin: germline. Not counted in ClinVar's aggregate classification.
Comment: Please see associated publication for description of ethnicities

Literature cited by the submitters: PubMed 24728327 (cited by ITMI).

NM_006164.5(NFE2L2):c.127C>T (p.Arg43Trp)

Gene: NFE2L2 (NFE2 like bZIP transcription factor 2; minus strand). Cytogenetic location: 2q31.2.
Variant type: single nucleotide variant.
Coding change: c.127C>T on transcript NM_006164.5 (MANE Select); coding-DNA position 127, C replaced by T.
Protein change: p.Arg43Trp; replaces arginine 43 with tryptophan.
Molecular consequence: missense variant. On other transcripts: 5 prime UTR variant (1), intron variant (1).
Genome position (GRCh38, 1-based): chr2:177,234,190, G>A on the plus strand (C>T on the coding strand, the complement: NFE2L2 is on the minus strand). VCF-style: chr2-177234190-G-A. GRCh37 (hg19) VCF-style: chr2-178098918-G-A.
Other names: c.79C>T, p.Arg27Trp (NM_001145412.3, NM_001145413.3, NM_001313900.1 and 1 more transcripts); c.127C>T, p.Arg43Trp (NM_001313902.2); c.-103C>T (NM_001313904.1); c.93+34C>T (NM_001313903.2); c.127C>T (NM_006164.4); short protein forms R27W, R43W.
Identifiers: ClinVar variation 134898 (VCV000134898.8), dbSNP rs182428269, ClinGen allele CA161105.